The following is an entry in ClinVar:

ClinVar aggregate classification (germline): Uncertain significance (1 of 4 stars; one submission).

Submission:

Greenwood Genetic Center Diagnostic Laboratories, Greenwood Genetic Center
Classification: Uncertain significance. Last evaluated: 2024-04-26. Review status: criteria provided, single submitter. Criteria: ACMG Guidelines, 2015. Collection method: clinical testing. Allele origin: germline. Affected: yes.
Comment: PM2, PP2

NM_019842.4(KCNQ5):c.858G>T (p.Leu286=)

Gene: KCNQ5 (potassium voltage-gated channel subfamily Q member 5; plus strand). Cytogenetic location: 6q13.
Variant type: single nucleotide variant.
Coding change: c.858G>T on transcript NM_019842.4 (MANE Select); coding-DNA position 858, G replaced by T.
Protein change: p.Leu286=; no amino-acid change (leucine 286 retained).
Molecular consequence: synonymous variant.
Genome position (GRCh38, 1-based): chr6:73,077,827, G>T. VCF-style: chr6-73077827-G-T. GRCh37 (hg19) VCF-style: chr6-73787550-G-T.
Other names: c.858G>T, p.Leu286= (NM_001160130.2, NM_001160132.2, NM_001160133.2 and 1 more transcripts).
Identifiers: ClinVar variation 3338600 (VCV003338600.1).